The following is an entry in ClinVar:

NM_001013703.4(EIF2AK4):c.4660-295G>C

Gene: EIF2AK4 (eukaryotic translation initiation factor 2 alpha kinase 4; plus strand). Cytogenetic location: 15q15.1.
Variant type: single nucleotide variant.
Coding change: c.4660-295G>C on transcript NM_001013703.4 (MANE Select); 295 bases into the intron before coding-DNA position 4660, G replaced by C.
Molecular consequence: intron variant.
Genome position (GRCh38, 1-based): chr15:40,031,874, G>C. VCF-style: chr15-40031874-G-C. GRCh37 (hg19) VCF-style: chr15-40324075-G-C.
Identifiers: ClinVar variation 683496 (VCV000683496.1), dbSNP rs2898984, ClinGen allele CA16504335.
Genomic context (GRCh38, chr15:40,031,874, plus strand): 5'-CTCCCATGTTCAAGCGATTCTCCTGCCTCAGCCTCCCGAATAGCTAGTATTATAAGCGCC[G>C]GCCACCATGCCCTGCTAATTTTTCTATTTTCAGTAGAGACGGGGTTTCACCATGTTGGCC-3'

ClinVar aggregate classification (germline): Benign (1 of 4 stars; one submission).

Allele frequency attached by ClinVar (database versions not stated): 1000 Genomes Project 30x 0.88804; gnomAD 0.90376; 1000 Genomes Project 0.88438; TOPMed 0.90736.
gnomAD v4.1: 137,904 of 152,212 alleles (91%); highest among the groups gnomAD compares: Admixed American, 94%; 62,526 homozygotes.

Submission:

GeneDx
Classification: Benign. Last evaluated: 2018-06-14. Review status: criteria provided, single submitter. Criteria: GeneDx Variant Classification (06012015). Collection method: clinical testing. Allele origin: germline. Affected: yes.
Comment: This variant is considered likely benign or benign based on one or more of the following criteria: it is a conservative change, it occurs at a poorly conserved position in the protein, it is predicted to be benign by multiple in silico algorithms, and/or has population frequency not consistent with disease.